The following is an entry in ClinVar:

NM_000179.3(MSH6):c.3289C>T (p.Pro1097Ser)

Gene: MSH6 (mutS homolog 6; plus strand). Cytogenetic location: 2p16.3.
Variant type: single nucleotide variant.
Coding change: c.3289C>T on transcript NM_000179.3 (MANE Select); coding-DNA position 3289, C replaced by T.
Protein change: p.Pro1097Ser; replaces proline 1097 with serine.
Molecular consequence: missense variant.
Genome position (GRCh38, 1-based): chr2:47,803,536, C>T. VCF-style: chr2-47803536-C-T. GRCh37 (hg19) VCF-style: chr2-48030675-C-T.
Other names: c.3289C>T, p.Pro1097Ser (NM_001406796.1, NM_001406800.1, NM_001406808.1 and 1 more transcripts); c.2992C>T, p.Pro998Ser (NM_001406805.1, NM_001406801.1, NM_001406797.1 and 10 more transcripts); c.2764C>T, p.Pro922Ser (NM_001406806.1, NM_001406799.1, NM_001406807.1); c.3385C>T, p.Pro1129Ser (NM_001406802.1, NM_001406795.1); c.2425C>T, p.Pro809Ser (NM_001406803.1); c.3211C>T, p.Pro1071Ser (NM_001406804.1); c.2899C>T, p.Pro967Ser (NM_001281492.2); c.2383C>T, p.Pro795Ser (NM_001281493.2, NM_001281494.2, NM_001406811.1 and 6 more transcripts); and 6 more; short protein forms P1041S, P1071S, P1097S, P1099S, P1129S, P24S, P412S, P46S.
Identifiers: ClinVar variation 1709761 (VCV001709761.9), dbSNP rs1553331477, ClinGen allele CA346758413.

ClinVar aggregate classification (germline): Uncertain significance. Review status: criteria provided, multiple submitters, no conflicts (2 of 4 stars). 3 submissions from 3 submitters: Uncertain significance (3). Last evaluated 2023-09-11.

Conditions:
Hereditary nonpolyposis colorectal neoplasms. Identifiers: MedGen C0009405, MeSH D003123.
Hereditary cancer-predisposing syndrome. Also called: Neoplastic Syndromes, Hereditary; Tumor predisposition; Hereditary Cancer Syndrome; Hereditary neoplastic syndrome. Identifiers: Orphanet 140162, MedGen C0027672, MeSH D009386, MONDO:0015356.
Lynch syndrome 5 (LYNCH5). Also called: Colorectal cancer, hereditary nonpolyposis, type 5; Hereditary non-polyposis colorectal cancer, type 5. Identifiers: Orphanet 144, MedGen C1833477, MONDO:0013710, OMIM 614350. Disease mechanism: loss of function.

Submissions (3):

Ambry Genetics
Classification: Uncertain significance for Hereditary cancer-predisposing syndrome. Last evaluated: 2023-09-11. Review status: criteria provided, single submitter. Criteria: Ambry Variant Classification Scheme 2023. Collection method: clinical testing. Allele origin: germline.
Comment: The p.P1097S variant (also known as c.3289C>T), located in coding exon 5 of the MSH6 gene, results from a C to T substitution at nucleotide position 3289. The proline at codon 1097 is replaced by serine, an amino acid with similar properties. This amino acid position is conserved. In addition, this alteration is predicted to be deleterious by in silico analysis. Since supporting evidence is limited at this time, the clinical significance of this alteration remains unclear.

Labcorp Genetics (formerly Invitae), Labcorp
Classification: Uncertain significance for Hereditary nonpolyposis colorectal neoplasms. Last evaluated: 2022-04-02. Review status: criteria provided, single submitter. Criteria: Invitae Variant Classification Sherloc (09022015). Collection method: clinical testing. Allele origin: germline.
Comment: This sequence change replaces proline, which is neutral and non-polar, with serine, which is neutral and polar, at codon 1097 of the MSH6 protein (p.Pro1097Ser). This variant is not present in population databases (gnomAD no frequency). In summary, the available evidence is currently insufficient to determine the role of this variant in disease. Therefore, it has been classified as a Variant of Uncertain Significance. Advanced modeling of protein sequence and biophysical properties (such as structural, functional, and spatial information, amino acid conservation, physicochemical variation, residue mobility, and thermodynamic stability) performed at Invitae indicates that this missense variant is expected to disrupt MSH6 protein function. This variant has not been reported in the literature in individuals affected with MSH6-related conditions.

MGZ Medical Genetics Center
Classification: Uncertain significance for Lynch syndrome 5. Last evaluated: 2021-07-27. Review status: criteria provided, single submitter. Criteria: ACMG Guidelines, 2015. Collection method: clinical testing. Allele origin: germline. Affected: yes. Observed: 1 variant allele.
Comment: ACMG criteria applied: PM2, PP3